The following is an entry in ClinVar:

NM_018206.6(VPS35):c.1120G>A (p.Glu374Lys)

Gene: VPS35 (VPS35 retromer complex component; minus strand). Cytogenetic location: 16q11.2.
Variant type: single nucleotide variant.
Coding change: c.1120G>A on transcript NM_018206.6 (MANE Select); coding-DNA position 1120, G replaced by A.
Protein change: p.Glu374Lys; replaces glutamic acid 374 with lysine.
Molecular consequence: missense variant.
Genome position (GRCh38, 1-based): chr16:46,674,354, C>T on the plus strand (G>A on the coding strand, the complement: VPS35 is on the minus strand). VCF-style: chr16-46674354-C-T. GRCh37 (hg19) VCF-style: chr16-46708266-C-T.
Other names: p.Glu374Lys; c.1120G>A (NM_018206.4); short protein forms E374K.
Identifiers: ClinVar variation 2023947 (VCV002023947.6), dbSNP rs911222425, ClinGen allele CA280214032.

ClinVar aggregate classification (germline): Uncertain significance. Review status: criteria provided, multiple submitters, no conflicts (2 of 4 stars). 3 submissions from 3 submitters: Uncertain significance (3). Last evaluated 2025-01-22.

Conditions:
Parkinson disease 17 (PARK17). Also called: VPS35-Related Parkinson Disease. Identifiers: Orphanet 411602, MedGen C3280133, MONDO:0013625, OMIM 614203.
Inborn genetic diseases. Identifiers: MedGen C0950123, MeSH D030342.

Allele frequency attached by ClinVar (database versions not stated): TOPMed 0.00002; gnomAD 0.00003; gnomAD exomes 0.00002.
gnomAD v4.1: 37 of 1,613,934 alleles (0.0023%); highest among the groups gnomAD compares: Non-Finnish European, 0.0027%; no homozygotes.

Submissions (3):

Ambry Genetics
Classification: Uncertain significance for Inborn genetic diseases. Last evaluated: 2025-01-22. Review status: criteria provided, single submitter. Criteria: Ambry Variant Classification Scheme 2023. Collection method: clinical testing. Allele origin: germline.

Mayo Clinic Laboratories, Mayo Clinic
Classification: Uncertain significance. Last evaluated: 2024-03-14. Review status: criteria provided, single submitter. Criteria: ACMG Guidelines, 2015. Collection method: clinical testing. Allele origin: germline. Observed: 1 variant allele.
Comment: BP4

Labcorp Genetics (formerly Invitae), Labcorp
Classification: Uncertain significance for Parkinson disease 17. Last evaluated: 2022-08-31. Review status: criteria provided, single submitter. Criteria: Invitae Variant Classification Sherloc (09022015). Collection method: clinical testing. Allele origin: germline.
Comment: This variant is present in population databases (no rsID available, gnomAD 0.01%). This variant has not been reported in the literature in individuals affected with VPS35-related conditions. This sequence change replaces glutamic acid, which is acidic and polar, with lysine, which is basic and polar, at codon 374 of the VPS35 protein (p.Glu374Lys). Algorithms developed to predict the effect of missense changes on protein structure and function (SIFT, PolyPhen-2, Align-GVGD) all suggest that this variant is likely to be tolerated. In summary, the available evidence is currently insufficient to determine the role of this variant in disease. Therefore, it has been classified as a Variant of Uncertain Significance.